The following is an entry in ClinVar:

ClinVar aggregate classification (germline): Uncertain significance (1 of 4 stars; one submission).

Conditions:
Developmental delay with variable intellectual impairment and behavioral abnormalities. Identifiers: MedGen C5193092, MONDO:0032745, OMIM 618430.

Submission:

MVZ Medizinische Genetik Mainz
Classification: Uncertain significance for Developmental delay with variable intellectual impairment and behavioral abnormalities. Last evaluated: 2025-08-19. Review status: criteria provided, single submitter. Criteria: UK Practice Guidelines For Variant Classification V4 01 2020. Collection method: clinical testing. Allele origin: germline. Inheritance: Autosomal dominant inheritance. Affected: yes. Observed: 1 variant allele.
Comment: ACMG Criteria: PM2_SUP,PP3

NM_001378418.1(TCF20):c.5728T>C (p.Tyr1910His)

Gene: TCF20 (transcription factor 20; minus strand). Cytogenetic location: 22q13.2.
Variant type: single nucleotide variant.
Coding change: c.5728T>C on transcript NM_001378418.1 (MANE Select); coding-DNA position 5728, T replaced by C.
Protein change: p.Tyr1910His; replaces tyrosine 1910 with histidine.
Molecular consequence: missense variant.
Genome position (GRCh38, 1-based): chr22:42,179,630, A>G on the plus strand (T>C on the coding strand, the complement: TCF20 is on the minus strand). VCF-style: chr22-42179630-A-G. GRCh37 (hg19) VCF-style: chr22-42575636-A-G.
Other names: c.5728T>C, p.Tyr1910His (NM_005650.4, NM_181492.3); short protein forms Y1910H.
Identifiers: ClinVar variation 4277247 (VCV004277247.1).
Genomic context (GRCh38, chr22:42,179,630, plus strand): 5'-TTTGGATGCTCTGGACAAGGGTCTGTGGTCTCCTCTTACCTGCATCAATGGCACACGGGT[A>G]ATGGTATCGGAAGGAGCAGCCTTTGTTGTAGCAGCCCAAGGTGGCGCCTGCCTCCTGGCA-3'
Protein context (NP_001365347.1, residues 1900-1920): YNKGCSFRYH[Tyr1910His]PCAIDADCLL